The following is an entry in ClinVar:

NM_000156.6(GAMT):c.182-1G>T

Gene: GAMT (guanidinoacetate N-methyltransferase; minus strand). Cytogenetic location: 19p13.3.
Variant type: single nucleotide variant.
Coding change: c.182-1G>T on transcript NM_000156.6 (MANE Select); the canonical splice acceptor site of the intron before coding-DNA position 182, G replaced by T.
Molecular consequence: splice acceptor variant.
Genome position (GRCh38, 1-based): chr19:1,399,939, C>A on the plus strand (G>T on the coding strand, the complement: GAMT is on the minus strand). VCF-style: chr19-1399939-C-A. GRCh37 (hg19) VCF-style: chr19-1399938-C-A.
Other names: c.182-1G>T (NM_138924.3).
Identifiers: ClinVar variation 4731062 (VCV004731062.1).
Genomic context (GRCh38, chr19:1,399,939, plus strand): 5'-CCTCCTGCACCTTTGACGCTGCGATGGCCATGCCAAAGCCCACCTCCAGGACCCGGCCCC[C>A]TGGGCAGACACAGGGCGCCTGGCATCACTAGGTGGGGCGGGCTTAGGAGGCTGCCTGGAG-3'

ClinVar aggregate classification (germline): Likely pathogenic (1 of 4 stars; one submission).

Conditions:
Cerebral creatine deficiency syndrome. Also called: Creatine deficiency syndromes. Identifiers: Orphanet 79172, MedGen C5244016, MONDO:0000456.

Submission:

Labcorp Genetics (formerly Invitae), Labcorp
Classification: Likely pathogenic for Cerebral creatine deficiency syndrome. Last evaluated: 2025-11-12. Review status: criteria provided, single submitter. Criteria: Invitae Variant Classification Sherloc (09022015). Collection method: clinical testing. Allele origin: germline.
Comment: This sequence change affects an acceptor splice site in intron 1 of the GAMT gene. It is expected to disrupt RNA splicing. Variants that disrupt the donor or acceptor splice site typically lead to a loss of protein function (PMID: 16199547), and loss-of-function variants in GAMT are known to be pathogenic (PMID: 15108290). This variant is not present in population databases (gnomAD no frequency). This variant has not been reported in the literature in individuals affected with GAMT-related conditions. Algorithms developed to predict the effect of sequence changes on RNA splicing suggest that this variant may disrupt the consensus splice site. In summary, the currently available evidence indicates that the variant is pathogenic, but additional data are needed to prove that conclusively. Therefore, this variant has been classified as Likely Pathogenic.

Literature cited by the submitters: PubMed 16199547; PubMed 15108290.